The following is an entry in ClinVar:

NM_000077.5(CDKN2A):c.150+2T>C

Gene: CDKN2A (cyclin dependent kinase inhibitor 2A; minus strand). Cytogenetic location: 9p21.3.
Variant type: single nucleotide variant.
Coding change: c.150+2T>C on transcript NM_000077.5 (MANE Select); the canonical splice donor site of the intron after coding-DNA position 150, T replaced by C.
Molecular consequence: splice donor variant. On other transcripts: missense variant (1), intron variant (2).
Genome position (GRCh38, 1-based): chr9:21,974,676, A>G on the plus strand (T>C on the coding strand, the complement: CDKN2A is on the minus strand). VCF-style: chr9-21974676-A-G. GRCh37 (hg19) VCF-style: chr9-21974675-A-G.
Other names: c.152T>C, p.Val51Ala (NM_058197.5); c.-3-3468T>C (NM_001363763.2); c.194-3468T>C (NM_058195.4); c.150+2T>C (NM_001195132.2); short protein forms V51A.
Identifiers: ClinVar variation 406712 (VCV000406712.10), dbSNP rs1060501265, ClinGen allele CA16612864.

ClinVar aggregate classification (germline): Likely pathogenic (1 of 4 stars; one submission).

Conditions:
Familial melanoma. Also called: Hereditary melanoma; Hereditary cutaneous melanoma. Identifiers: Orphanet 618, MedGen C1512419, MONDO:0018961.

Submissions (2):

Labcorp Genetics (formerly Invitae), Labcorp
Classification: Likely pathogenic for Familial melanoma. Last evaluated: 2025-05-19. Review status: criteria provided, single submitter. Criteria: Invitae Variant Classification Sherloc (09022015). Collection method: clinical testing. Allele origin: germline.
Comment: This sequence change affects a donor splice site in intron 1 of the CDKN2A gene. It is expected to disrupt RNA splicing. Variants that disrupt the donor or acceptor splice site typically lead to a loss of protein function (PMID: 16199547), and loss-of-function variants in CDKN2A are known to be pathogenic (PMID: 15146471, 16905682). This variant is not present in population databases (gnomAD no frequency). This variant has not been reported in the literature in individuals affected with CDKN2A-related conditions. ClinVar contains an entry for this variant (Variation ID: 406712). Algorithms developed to predict the effect of sequence changes on RNA splicing suggest that this variant may disrupt the consensus splice site. In summary, the currently available evidence indicates that the variant is pathogenic, but additional data are needed to prove that conclusively. Therefore, this variant has been classified as Likely Pathogenic.

Dr. Peter K. Rogan Lab, Western University
No classification provided (evidence only). Condition: Thyroid cancer, nonmedullary, 1. Review status: no classification provided. Collection method: in vitro. Allele origin: not applicable. Functional consequence: retained intron. Not counted in ClinVar's aggregate classification.

Literature cited by the submitters: PubMed 16199547 (cited by Labcorp Genetics (formerly Invitae), Labcorp); PubMed 15146471 (cited by Labcorp Genetics (formerly Invitae), Labcorp); PubMed 16905682 (cited by Labcorp Genetics (formerly Invitae), Labcorp).